The following is an entry in ClinVar:

ClinVar aggregate classification (germline): Uncertain significance. Review status: criteria provided, multiple submitters, no conflicts (2 of 4 stars). 2 submissions from 2 submitters: Uncertain significance (2). Last evaluated 2023-09-08.

Conditions:
Inborn genetic diseases. Identifiers: MedGen C0950123, MeSH D030342.

Allele frequency attached by ClinVar (database versions not stated): gnomAD exomes below 0.00001; ExAC 0.00001.
gnomAD v4.1: 2 of 1,614,102 alleles (0.00012%); highest among the groups gnomAD compares: Non-Finnish European, 0.00017%; no homozygotes.

Submissions (2):

Labcorp Genetics (formerly Invitae), Labcorp
Classification: Uncertain significance. Last evaluated: 2023-09-08. Review status: criteria provided, single submitter. Criteria: Invitae Variant Classification Sherloc (09022015). Collection method: clinical testing. Allele origin: germline.
Comment: In summary, the available evidence is currently insufficient to determine the role of this variant in disease. Therefore, it has been classified as a Variant of Uncertain Significance. An algorithm developed to predict the effect of missense changes on protein structure and function (PolyPhen-2) suggests that this variant is likely to be tolerated. This variant has not been reported in the literature in individuals affected with NLRP1-related conditions. This variant is present in population databases (rs770751448, gnomAD 0.0009%). This sequence change replaces serine, which is neutral and polar, with glycine, which is neutral and non-polar, at codon 873 of the NLRP1 protein (p.Ser873Gly).

Ambry Genetics
Classification: Uncertain significance for Inborn genetic diseases. Last evaluated: 2023-07-14. Review status: criteria provided, single submitter. Criteria: Ambry Variant Classification Scheme 2023. Collection method: clinical testing. Allele origin: germline.

NM_033004.4(NLRP1):c.2617A>G (p.Ser873Gly)

Gene: NLRP1 (NLR family pyrin domain containing 1; minus strand). Cytogenetic location: 17p13.2.
Variant type: single nucleotide variant.
Coding change: c.2617A>G on transcript NM_033004.4 (MANE Select); coding-DNA position 2617, A replaced by G.
Protein change: p.Ser873Gly; replaces serine 873 with glycine.
Molecular consequence: missense variant.
Genome position (GRCh38, 1-based): chr17:5,541,939, T>C on the plus strand (A>G on the coding strand, the complement: NLRP1 is on the minus strand). VCF-style: chr17-5541939-T-C. GRCh37 (hg19) VCF-style: chr17-5445259-T-C.
Other names: c.2617A>G, p.Ser873Gly (NM_001033053.3, NM_014922.5, NM_033006.4 and 1 more transcripts); short protein forms S873G.
Identifiers: ClinVar variation 2612123 (VCV002612123.5), dbSNP rs770751448, ClinGen allele CA8327116.
Genomic context (GRCh38, chr17:5,541,939, plus strand): 5'-TCGGCTGTCTCAGTCTCTGGCAAAGGTGTTTGGCTCCAGCATCCGTGAGCACATTGAAGC[T>C]CAGGTCCAGCTCGGTCAGGGTCTGGTTGGCTCTCAGCCCAAAGGCAAGGTCCTTGCAGTC-3'
Protein context (NP_127497.1, residues 863-883): ANQTLTELDL[Ser873Gly]FNVLTDAGAK